The following is an entry in ClinVar:

ClinVar aggregate classification (germline): Uncertain significance (1 of 4 stars; one submission).

gnomAD v4.1: 5 of 1,614,086 alleles (0.00031%); highest among the groups gnomAD compares: Non-Finnish European, 0.00042%; no homozygotes.

Submission:

Labcorp Genetics (formerly Invitae), Labcorp
Classification: Uncertain significance. Last evaluated: 2022-11-01. Review status: criteria provided, single submitter. Criteria: Invitae Variant Classification Sherloc (09022015). Collection method: clinical testing. Allele origin: germline.
Comment: This sequence change falls in intron 17 of the ACO2 gene. It does not directly change the encoded amino acid sequence of the ACO2 protein. It affects a nucleotide within the consensus splice site. This variant is present in population databases (rs778724079, gnomAD 0.0009%). This variant has not been reported in the literature in individuals affected with ACO2-related conditions. ClinVar contains an entry for this variant (Variation ID: 1043532). Variants that disrupt the consensus splice site are a relatively common cause of aberrant splicing (PMID: 17576681, 9536098). Algorithms developed to predict the effect of sequence changes on RNA splicing suggest that this variant is not likely to affect RNA splicing. In summary, the available evidence is currently insufficient to determine the role of this variant in disease. Therefore, it has been classified as a Variant of Uncertain Significance.

Literature cited by the submitters: PubMed 17576681; PubMed 9536098.

NM_001098.3(ACO2):c.2208+6G>C

Genes: ACO2 (aconitase 2; plus strand), POLR3H (RNA polymerase III subunit H; minus strand). Cytogenetic location: 22q13.2.
Variant type: single nucleotide variant.
Coding change: c.2208+6G>C on transcript NM_001098.3 (MANE Select); 6 bases into the intron after coding-DNA position 2208, G replaced by C.
Molecular consequence: intron variant. On other transcripts: 3 prime UTR variant (5).
Genome position (GRCh38, 1-based): chr22:41,528,028, G>C. VCF-style: chr22-41528028-G-C. GRCh37 (hg19) VCF-style: chr22-41924032-G-C.
Other names: c.*1255C>G (NM_001018050.4, NM_001018052.4, NM_001282884.2 and 2 more transcripts).
Identifiers: ClinVar variation 1043532 (VCV001043532.6), dbSNP rs778724079, ClinGen allele CA10257918.